The following is an entry in ClinVar:

NM_000263.4(NAGLU):c.82dup (p.Glu28fs)

Genes: NAGLU (N-acetyl-alpha-glucosaminidase; plus strand), LOC130060903 (ATAC-STARR-seq lymphoblastoid silent region 8533; plus strand). Cytogenetic location: 17q21.2.
Variant type: Duplication.
Coding change: c.82dup on transcript NM_000263.4 (MANE Select); coding-DNA position 82, one base duplicated (G; older notation c.82dupG).
Protein change: p.Glu28fs; shifts the reading frame from glutamic acid 28.
Molecular consequence: frameshift variant.
Genome position (GRCh38, 1-based): chr17:42,536,354, G duplicated; the last of 3 consecutive G bases (chr17:42,536,352-42,536,354); duplicating any one gives the same sequence. VCF-style (leftmost placement, unchanged base first): chr17-42536351-C-CG. GRCh37 (hg19) VCF-style: chr17-40688369-C-CG.
Other names: short protein forms E28fs.
Identifiers: ClinVar variation 2122999 (VCV002122999.4), dbSNP rs1430122594, ClinGen allele CA2580093742.
Genomic context (GRCh38, chr17:42,536,351, plus strand): 5'-GCCGCGGCGGTGGGGGTCCTTCTCCTGGCCGGGGCCGGGGGCGCGGCAGGCGACGAGGCC[C>CG]GGGAGGCGGCGGCCGTGCGGGCGCTCGTGGCCCGGCTGCTGGGGCCAGGCCCCGCGGCCG-3'

ClinVar aggregate classification (germline): Pathogenic (1 of 4 stars; one submission).

Conditions:
Charcot-Marie-Tooth disease axonal type 2V. Also called: CHARCOT-MARIE-TOOTH NEUROPATHY, TYPE 2V; CHARCOT-MARIE-TOOTH DISEASE, AXONAL, AUTOSOMAL DOMINANT, TYPE 2V. Identifiers: Orphanet 447964, MedGen C5569050, MONDO:0014665, OMIM 616491.
Mucopolysaccharidosis, MPS-III-B (MPS3B). Also called: N-ACETYL-ALPHA-D-GLUCOSAMINIDASE DEFICIENCY; NAGLU DEFICIENCY; SANFILIPPO SYNDROME B; MPS III B; MUCOPOLYSACCHARIDOSIS, TYPE IIIB; MPS IIIB (Sanfilippo Syndrome Type B). Identifiers: Orphanet 79270, MedGen C0086648, MONDO:0009656, OMIM 252920.

Submission:

Labcorp Genetics (formerly Invitae), Labcorp
Classification: Pathogenic for Charcot-Marie-Tooth disease axonal type 2V; Mucopolysaccharidosis, MPS-III-B. Last evaluated: 2022-10-08. Review status: criteria provided, single submitter. Criteria: Invitae Variant Classification Sherloc (09022015). Collection method: clinical testing. Allele origin: germline.
Comment: This sequence change creates a premature translational stop signal (p.Glu28Glyfs*164) in the NAGLU gene. It is expected to result in an absent or disrupted protein product. Loss-of-function variants in NAGLU are known to be pathogenic (PMID: 9832037, 10094189, 16151907). This variant is not present in population databases (gnomAD no frequency). This variant has not been reported in the literature in individuals affected with NAGLU-related conditions. For these reasons, this variant has been classified as Pathogenic.

Literature cited by the submitters: PubMed 9832037; PubMed 10094189; PubMed 16151907.